The following is an entry in ClinVar:

ClinVar aggregate classification (germline): Uncertain significance (1 of 4 stars; one submission).

Conditions:
Jeune thoracic dystrophy. Also called: Short-rib thoracic dysplasia; Jeune syndrome; Infantile thoracic dystrophy; Thoracic pelvic phalangeal dystrophy; Jeune's syndrome; Chondroectodermal dysplasia-like syndrome. Identifiers: Orphanet 474, MedGen C0265275, MONDO:0018770.

Allele frequency attached by ClinVar (database versions not stated): gnomAD exomes below 0.00001; gnomAD 0.00001.
gnomAD v4.1: 3 of 1,613,006 alleles (0.00019%); highest among the groups gnomAD compares: Non-Finnish European, 0.00025%; no homozygotes.

Submission:

Labcorp Genetics (formerly Invitae), Labcorp
Classification: Uncertain significance for Jeune thoracic dystrophy. Last evaluated: 2021-06-25. Review status: criteria provided, single submitter. Criteria: Invitae Variant Classification Sherloc (09022015). Collection method: clinical testing. Allele origin: germline.
Comment: This variant is not present in population databases (ExAC no frequency). This sequence change replaces lysine with glutamic acid at codon 559 of the IFT80 protein (p.Lys559Glu). The lysine residue is highly conserved and there is a small physicochemical difference between lysine and glutamic acid. This variant has not been reported in the literature in individuals with IFT80-related conditions. In summary, the available evidence is currently insufficient to determine the role of this variant in disease. Therefore, it has been classified as a Variant of Uncertain Significance. Algorithms developed to predict the effect of missense changes on protein structure and function are either unavailable or do not agree on the potential impact of this missense change (SIFT: "Deleterious"; PolyPhen-2: "Benign"; Align-GVGD: "Class C15").

NM_020800.3(IFT80):c.1675A>G (p.Lys559Glu)

Genes: IFT80 (intraflagellar transport 80; minus strand), TRIM59-IFT80 (TRIM59-IFT80 readthrough (NMD candidate); minus strand). Cytogenetic location: 3q25.33.
Variant type: single nucleotide variant.
Coding change: c.1675A>G on transcript NM_020800.3 (MANE Select); coding-DNA position 1675, A replaced by G.
Protein change: p.Lys559Glu; replaces lysine 559 with glutamic acid.
Molecular consequence: missense variant. On other transcripts: non-coding transcript variant (3).
Genome position (GRCh38, 1-based): chr3:160,279,354, T>C on the plus strand (A>G on the coding strand, the complement: IFT80 is on the minus strand). VCF-style: chr3-160279354-T-C. GRCh37 (hg19) VCF-style: chr3-159997142-T-C.
Other names: c.1264A>G, p.Lys422Glu (NM_001190241.2, NM_001190242.2); short protein forms K559E, K422E.
Identifiers: ClinVar variation 1474451 (VCV001474451.8), dbSNP rs1248669654, ClinGen allele CA355191076.
Genomic context (GRCh38, chr3:160,279,354, plus strand): 5'-AGCCATCAGCTCTTCTAATAGTTACTTGATTTCCAACAAAACTCACAATATGGGGATTTT[T>C]ACTAAATTCACTGTTGAAAAAAAAAGCAAAGTACAATTTAAAGTTGTATTCTGAGCAAAA-3'
Protein context (NP_065851.1, residues 549-569): LYERDASEFS[Lys559Glu]NPHIVSFVGN